The following is an entry in ClinVar:

NM_000254.3(MTR):c.394del (p.Glu131_Val132insTer)

Gene: MTR (5-methyltetrahydrofolate-homocysteine methyltransferase; plus strand). Cytogenetic location: 1q43.
Variant type: Deletion.
Coding change: c.394del on transcript NM_000254.3 (MANE Select); coding-DNA position 394, one base deleted (G; older notation c.394delG).
Protein change: p.Glu131_Val132insTer.
Molecular consequence: nonsense. On other transcripts: 5 prime UTR variant (1).
Genome position (GRCh38, 1-based): chr1:236,808,758, G deleted; the last of 2 consecutive G bases (chr1:236,808,757-236,808,758); deleting either gives the same sequence. VCF-style (leftmost placement, unchanged base first): chr1-236808756-AG-A. GRCh37 (hg19) VCF-style: chr1-236972056-AG-A.
Other names: c.394del, p.Glu131_Val132insTer (NM_001291939.1, NM_001410942.1); c.-715del (NM_001291940.2).
Identifiers: ClinVar variation 3632545 (VCV003632545.2).

ClinVar aggregate classification (germline): Pathogenic (1 of 4 stars; one submission).

Conditions:
Methylcobalamin deficiency type cblG (HMAG). Also called: Functional methionine synthase deficiency type cblG; HOMOCYSTINURIA-MEGALOBLASTIC ANEMIA, cblG TYPE; HOMOCYSTINURIA-MEGALOBLASTIC ANEMIA, cblG COMPLEMENTATION TYPE; HOMOCYSTINURIA-MEGALOBLASTIC ANEMIA DUE TO DEFECT IN COBALAMIN METABOLISM, cblG COMPLEMENTATION TYPE. Identifiers: Orphanet 2170, Orphanet 622, MedGen C1855128, MONDO:0009609, OMIM 250940.

Submission:

Labcorp Genetics (formerly Invitae), Labcorp
Classification: Pathogenic for Methylcobalamin deficiency type cblG. Last evaluated: 2024-03-23. Review status: criteria provided, single submitter. Criteria: Invitae Variant Classification Sherloc (09022015). Collection method: clinical testing. Allele origin: germline.
Comment: This sequence change creates a premature translational stop signal (p.Val132*) in the MTR gene. It is expected to result in an absent or disrupted protein product. Loss-of-function variants in MTR are known to be pathogenic (PMID: 9683607, 12068375). This variant is not present in population databases (gnomAD no frequency). This variant has not been reported in the literature in individuals affected with MTR-related conditions. For these reasons, this variant has been classified as Pathogenic.

Literature cited by the submitters: PubMed 9683607; PubMed 12068375.